The following is an entry in ClinVar:

ClinVar aggregate classification (germline): Uncertain significance (1 of 4 stars; one submission).

Submission:

Labcorp Genetics (formerly Invitae), Labcorp
Classification: Uncertain significance. Last evaluated: 2022-08-13. Review status: criteria provided, single submitter. Criteria: Invitae Variant Classification Sherloc (09022015). Collection method: clinical testing. Allele origin: germline.
Comment: In summary, the available evidence is currently insufficient to determine the role of this variant in disease. Therefore, it has been classified as a Variant of Uncertain Significance. Algorithms developed to predict the effect of missense changes on protein structure and function (SIFT, PolyPhen-2, Align-GVGD) all suggest that this variant is likely to be tolerated. This variant has not been reported in the literature in individuals affected with SLCO5A1-related conditions. This variant is not present in population databases (gnomAD no frequency). This sequence change replaces phenylalanine, which is neutral and non-polar, with valine, which is neutral and non-polar, at codon 660 of the SLCO5A1 protein (p.Phe660Val).

NM_030958.3(SLCO5A1):c.1978T>G (p.Phe660Val)

Gene: SLCO5A1 (solute carrier organic anion transporter family member 5A1; minus strand). Cytogenetic location: 8q13.3.
Variant type: single nucleotide variant.
Coding change: c.1978T>G on transcript NM_030958.3 (MANE Select); coding-DNA position 1978, T replaced by G.
Protein change: p.Phe660Val; replaces phenylalanine 660 with valine.
Molecular consequence: missense variant.
Genome position (GRCh38, 1-based): chr8:69,679,424, A>C on the plus strand (T>G on the coding strand, the complement: SLCO5A1 is on the minus strand). VCF-style: chr8-69679424-A-C. GRCh37 (hg19) VCF-style: chr8-70591659-A-C.
Other names: c.1978T>G, p.Phe660Val (NM_001146008.2); c.1813T>G, p.Phe605Val (NM_001146009.1); short protein forms F605V, F660V.
Identifiers: ClinVar variation 2113330 (VCV002113330.4), dbSNP rs2487278014, ClinGen allele CA371233600.
Genomic context (GRCh38, chr8:69,679,424, plus strand): 5'-AATGCTGTTCTCACCTGAGTGTTACTATGATAGCTGATGGTTGGGCACATGCTGTGATGA[A>C]GGTGACTATGAAAAGAAAAACTAAGAATGGGATAAGAGTATTGCAGGTCCGTTTACATTT-3'
Protein context (NP_112220.2, residues 650-670): PFLVFLFIVT[Phe660Val]ITACAQPSAI